The following is an entry in ClinVar:

ClinVar aggregate classification (germline): Benign/Likely benign. Review status: criteria provided, multiple submitters, no conflicts (2 of 4 stars). 9 submissions from 9 submitters: Benign (4); Likely benign (4). 1 of the submissions does not count toward it. Last evaluated 2026-04-20.

Conditions:
DICER1-related disorder. Also called: DICER1-related condition.
DICER1-related tumor predisposition. Also called: DICER1 syndrome; DICER1-related pleuropulmonary blastoma cancer predisposition syndrome. Identifiers: Orphanet 284343, MedGen C3839822, MONDO:0100216.
Hereditary cancer-predisposing syndrome. Also called: Tumor predisposition; Hereditary Cancer Syndrome; Neoplastic Syndromes, Hereditary; Hereditary neoplastic syndrome. Identifiers: Orphanet 140162, MedGen C0027672, MeSH D009386, MONDO:0015356.

Allele frequency attached by ClinVar (database versions not stated): gnomAD 0.00004; TOPMed 0.00007; gnomAD exomes 0.00010 and 0.00011; ExAC 0.00014.
gnomAD v4.1: 169 of 1,614,076 alleles (0.01%); highest among the groups gnomAD compares: Non-Finnish European, 0.014%; 1 homozygote.

Submissions (9):

Myriad Genetics, Inc.
Classification: Benign for DICER1-related tumor predisposition. Last evaluated: 2026-04-20. Review status: criteria provided, single submitter. Criteria: Myriad Autosomal Dominant, Autosomal Recessive and X-Linked Classification Criteria (2023). Collection method: clinical testing. Allele origin: unknown.
Comment: This variant is considered benign. This variant is a silent/synonymous amino acid change and it is not expected to impact splicing.

Labcorp Genetics (formerly Invitae), Labcorp
Classification: Benign for DICER1-related tumor predisposition. Last evaluated: 2026-01-13. Review status: criteria provided, single submitter. Criteria: Invitae Variant Classification Sherloc (09022015). Collection method: clinical testing. Allele origin: germline.

CeGaT Center for Human Genetics Tuebingen
Classification: Likely benign. Last evaluated: 2025-04-01. Review status: criteria provided, single submitter. Criteria: CeGaT Center For Human Genetics Tuebingen Variant Classification Criteria Version 2. Collection method: clinical testing. Allele origin: germline. Affected: yes. Observed: 4 variant alleles.
Comment: DICER1: BP4, BP7

Center for Genomic Medicine, Rigshospitalet, Copenhagen University Hospital
Classification: Likely benign. Last evaluated: 2025-03-04. Review status: criteria provided, single submitter. Criteria: ACMG Guidelines, 2015. Collection method: clinical testing. Allele origin: germline.

Quest Diagnostics Nichols Institute San Juan Capistrano
Classification: Benign. Last evaluated: 2022-03-17. Review status: criteria provided, single submitter. Criteria: Quest Diagnostics criteria. Collection method: clinical testing. Allele origin: unknown.

Sema4
Classification: Likely benign for Hereditary cancer-predisposing syndrome. Last evaluated: 2022-01-25. Review status: criteria provided, single submitter. Criteria: Sema4 Curation Guidelines. Collection method: curation. Allele origin: germline.

Illumina Laboratory Services, Illumina
Classification: Benign for Pleuropulmonary blastoma. Last evaluated: 2018-01-13. Review status: criteria provided, single submitter. Criteria: ICSL Variant Classification Criteria 13 December 2019. Collection method: clinical testing. Allele origin: germline.
Comment: This variant was observed in the ICSL laboratory as part of a predisposition screen in an ostensibly healthy population. It had not been previously curated by ICSL or reported in the Human Gene Mutation Database (HGMD: prior to June 1st, 2018), and was therefore a candidate for classification through an automated scoring system. Utilizing variant allele frequency, disease prevalence and penetrance estimates, and inheritance mode, an automated score was calculated to assess if this variant is too frequent to cause the disease. Based on the score and internal cut-off values, a variant classified as benign is not then subjected to further curation. The score for this variant resulted in a classification of benign for this disease.

Ambry Genetics
Classification: Likely benign for Hereditary cancer-predisposing syndrome. Last evaluated: 2017-07-12. Review status: criteria provided, single submitter. Criteria: Ambry Variant Classification Scheme 2023. Collection method: clinical testing. Allele origin: germline.

PreventionGenetics, part of Exact Sciences
Classification: Likely benign for DICER1-related condition. Last evaluated: 2021-10-27. Review status: no assertion criteria provided. Collection method: clinical testing. Allele origin: germline. Not counted in ClinVar's aggregate classification.
Comment: This variant is classified as likely benign based on ACMG/AMP sequence variant interpretation guidelines (Richards et al. 2015 PMID: 25741868, with internal and published modifications).

NM_177438.3(DICER1):c.4554T>A (p.Val1518=)

Gene: DICER1 (dicer 1, ribonuclease III; minus strand). Cytogenetic location: 14q32.13.
Variant type: single nucleotide variant.
Coding change: c.4554T>A on transcript NM_177438.3 (MANE Select); coding-DNA position 4554, T replaced by A.
Protein change: p.Val1518=; no amino-acid change (valine 1518 retained).
Molecular consequence: synonymous variant.
Genome position (GRCh38, 1-based): chr14:95,096,366, A>T on the plus strand (T>A on the coding strand, the complement: DICER1 is on the minus strand). VCF-style: chr14-95096366-A-T. GRCh37 (hg19) VCF-style: chr14-95562703-A-T.
Other names: c.4554T>A, p.Val1518= (NM_001195573.1, NM_001271282.3, NM_001291628.2 and 1 more transcripts).
Identifiers: ClinVar variation 242113 (VCV000242113.65), dbSNP rs752773026, ClinGen allele CA7330832.